The following is an entry in ClinVar:

ClinVar aggregate classification (germline): Benign/Likely benign. Review status: criteria provided, multiple submitters, no conflicts (2 of 4 stars). 5 submissions from 5 submitters: Benign (3); Likely benign (1). 1 of the submissions does not count toward it. Last evaluated 2026-01-28.

Conditions:
SLC25A20-related disorder. Also called: SLC25A20-related condition.
Carnitine acylcarnitine translocase deficiency (CACTD). Identifiers: Orphanet 159, MedGen C0342791, MONDO:0008918, OMIM 212138.

Allele frequency attached by ClinVar (database versions not stated): gnomAD exomes 0.00093; ExAC 0.00111; gnomAD 0.00317 and 0.00337; TOPMed 0.00353; ESP Exome Variant Server 0.00384; 1000 Genomes Project 0.00639; 1000 Genomes Project 30x 0.00687.

Submissions (5):

Labcorp Genetics (formerly Invitae), Labcorp
Classification: Benign for Carnitine acylcarnitine translocase deficiency. Last evaluated: 2026-01-28. Review status: criteria provided, single submitter. Criteria: Invitae Variant Classification Sherloc (09022015). Collection method: clinical testing. Allele origin: germline.

Mayo Clinic Laboratories, Mayo Clinic
Classification: Benign. Last evaluated: 2023-10-13. Review status: criteria provided, single submitter. Criteria: ACMG Guidelines, 2015. Collection method: clinical testing. Allele origin: germline. Observed: 4 variant alleles.
Comment: BA1, BS2

GeneDx
Classification: Benign. Last evaluated: 2017-02-02. Review status: criteria provided, single submitter. Criteria: GeneDx Variant Classification (06012015). Collection method: clinical testing. Allele origin: germline. Affected: yes.
Comment: This variant is considered likely benign or benign based on one or more of the following criteria: it is a conservative change, it occurs at a poorly conserved position in the protein, it is predicted to be benign by multiple in silico algorithms, and/or has population frequency not consistent with disease.

Center for Pediatric Genomic Medicine, Children's Mercy Hospital and Clinics
Classification: Likely benign. Last evaluated: 2015-05-21. Review status: criteria provided, single submitter. Criteria: ACMG Guidelines, 2015. Collection method: clinical testing. Allele origin: germline.
ClinVar note: Converted during submission from Likely Benign to Likely benign.

PreventionGenetics, part of Exact Sciences
Classification: Benign for SLC25A20-related condition. Last evaluated: 2019-06-14. Review status: no assertion criteria provided. Collection method: clinical testing. Allele origin: germline. Not counted in ClinVar's aggregate classification.
Comment: This variant is classified as benign based on ACMG/AMP sequence variant interpretation guidelines (Richards et al. 2015 PMID: 25741868, with internal and published modifications).

NM_000387.6(SLC25A20):c.773G>A (p.Arg258Gln)

Gene: SLC25A20 (solute carrier family 25 member 20; minus strand). Cytogenetic location: 3p21.31.
Variant type: single nucleotide variant.
Coding change: c.773G>A on transcript NM_000387.6 (MANE Select); coding-DNA position 773, G replaced by A.
Protein change: p.Arg258Gln; replaces arginine 258 with glutamine.
Molecular consequence: missense variant.
Genome position (GRCh38, 1-based): chr3:48,858,577, C>T on the plus strand (G>A on the coding strand, the complement: SLC25A20 is on the minus strand). VCF-style: chr3-48858577-C-T. GRCh37 (hg19) VCF-style: chr3-48896010-C-T.
Other names: p.Arg258Gln; short protein forms R258Q.
Identifiers: ClinVar variation 235366 (VCV000235366.15), dbSNP rs35989076, ClinGen allele CA2387292.